The following is an entry in ClinVar:

ClinVar aggregate classification (germline): Uncertain significance (1 of 4 stars; one submission).

Submission:

GeneDx
Classification: Uncertain significance. Last evaluated: 2022-06-02. Review status: criteria provided, single submitter. Criteria: GeneDx Variant Classification Process June 2021. Collection method: clinical testing. Allele origin: germline. Affected: yes.
Comment: Not observed at significant frequency in large population cohorts (gnomAD); Frameshift variant predicted to result in protein truncation as the last 13 amino acids are replaced with 8 different amino acids, although loss-of-function variants have not been reported downstream of this position in the protein; Has not been previously published as pathogenic or benign to our knowledge

NM_006946.4(SPTBN2):c.7133_7134del (p.Glu2378fs)

Gene: SPTBN2 (spectrin beta, non-erythrocytic 2; minus strand). Cytogenetic location: 11q13.2.
Variant type: Microsatellite.
Coding change: c.7133_7134del on transcript NM_006946.4 (MANE Select); coding-DNA positions 7133 to 7134, 2 bases deleted (AG; older notation c.7133_7134delAG).
Protein change: p.Glu2378fs; shifts the reading frame from glutamic acid 2378.
Molecular consequence: frameshift variant.
Genome position (GRCh38, 1-based): chr11:66,685,910-66,685,911, CT deleted on the plus strand (AG on the coding strand, the reverse complement: SPTBN2 is on the minus strand); deleting any 2 consecutive bases within chr11:66,685,910-66,685,914 gives the same sequence; the c. name uses the placement nearest the transcript's 3' end. VCF-style (leftmost placement, unchanged base first): chr11-66685909-GCT-G. GRCh37 (hg19) VCF-style: chr11-66453380-GCT-G.
Other names: c.7151_7152GA[1], p.Glu2385Alafs (NM_001411025.1); short protein forms E2378fs.
Identifiers: ClinVar variation 1801999 (VCV001801999.1), dbSNP rs2495699265, ClinGen allele CA2580615733.
Genomic context (GRCh38, chr11:66,685,909, plus strand): 5'-TGGCCTGGGACCTTGCCCCCAACTACTTGTTCTTCTTAAAGAAGCTGAAGCGTTTTTCTC[GCT>G]CTCGTTCTCTGCCGTCTTTGCTGCGGAGCACAACAGGCCCCTCAGCCCCGACGGGTGACA-3'